The following is an entry in ClinVar:

NM_001271.4(CHD2):c.559C>T (p.Pro187Ser)

Gene: CHD2 (chromodomain helicase DNA binding protein 2; plus strand). Cytogenetic location: 15q26.1.
Variant type: single nucleotide variant.
Coding change: c.559C>T on transcript NM_001271.4 (MANE Select); coding-DNA position 559, C replaced by T.
Protein change: p.Pro187Ser; replaces proline 187 with serine.
Molecular consequence: missense variant.
Genome position (GRCh38, 1-based): chr15:92,939,585, C>T. VCF-style: chr15-92939585-C-T. GRCh37 (hg19) VCF-style: chr15-93482815-C-T.
Other names: c.559C>T, p.Pro187Ser (NM_001042572.3); short protein forms P187S.
Identifiers: ClinVar variation 4983419 (VCV004983419.1).

ClinVar aggregate classification (germline): Uncertain significance (1 of 4 stars; one submission).

Conditions:
CHD2-related disorder. Also called: CHD2-related condition.

gnomAD v4.1: 3 of 1,613,404 alleles (0.00019%); highest among the groups gnomAD compares: Non-Finnish European, 0.00025%; no homozygotes.

Submission:

PreventionGenetics, part of Exact Sciences
Classification: Uncertain significance for CHD2-related condition. Last evaluated: 2025-06-25. Review status: criteria provided, single submitter. Criteria: ACMG Guidelines, 2015. Collection method: clinical testing. Allele origin: germline.
Comment: The CHD2 c.559C>T variant is predicted to result in the amino acid substitution p.Pro187Ser. To our knowledge, this variant has not been reported in the literature. This variant is reported in 0.00088% of alleles in individuals of European (Non-Finnish) descent in gnomAD. At this time, the clinical significance of this variant is uncertain due to the absence of conclusive functional and genetic evidence.